The following is an entry in ClinVar:

ClinVar aggregate classification (germline): Uncertain significance (1 of 4 stars; one submission).

Submission:

Labcorp Genetics (formerly Invitae), Labcorp
Classification: Uncertain significance. Last evaluated: 2022-09-28. Review status: criteria provided, single submitter. Criteria: Invitae Variant Classification Sherloc (09022015). Collection method: clinical testing. Allele origin: germline.
Comment: This variant is not present in population databases (gnomAD no frequency). In summary, the available evidence is currently insufficient to determine the role of this variant in disease. Therefore, it has been classified as a Variant of Uncertain Significance. Algorithms developed to predict the effect of missense changes on protein structure and function (SIFT, PolyPhen-2, Align-GVGD) all suggest that this variant is likely to be disruptive. This variant has not been reported in the literature in individuals affected with PRDM13-related conditions. This sequence change replaces glutamic acid, which is acidic and polar, with valine, which is neutral and non-polar, at codon 494 of the PRDM13 protein (p.Glu494Val).

NM_021620.4(PRDM13):c.1481A>T (p.Glu494Val)

Gene: PRDM13 (PR/SET domain 13; plus strand). Cytogenetic location: 6q16.2.
Variant type: single nucleotide variant.
Coding change: c.1481A>T on transcript NM_021620.4 (MANE Select); coding-DNA position 1481, A replaced by T.
Protein change: p.Glu494Val; replaces glutamic acid 494 with valine.
Molecular consequence: missense variant.
Genome position (GRCh38, 1-based): chr6:99,614,116, A>T. VCF-style: chr6-99614116-A-T. GRCh37 (hg19) VCF-style: chr6-100061992-A-T.
Other names: short protein forms E494V.
Identifiers: ClinVar variation 1720574 (VCV001720574.5), dbSNP rs2538547161, ClinGen allele CA365118933.